The following is an entry in ClinVar:

ClinVar aggregate classification (germline): Uncertain significance. Review status: criteria provided, multiple submitters, no conflicts (2 of 4 stars). 5 submissions from 5 submitters: Uncertain significance (4). 1 of the submissions does not count toward it. Last evaluated 2023-08-30.

Conditions:
Hereditary cancer-predisposing syndrome. Also called: Tumor predisposition; Hereditary neoplastic syndrome; Neoplastic Syndromes, Hereditary; Hereditary Cancer Syndrome. Identifiers: Orphanet 140162, MedGen C0027672, MeSH D009386, MONDO:0015356.
Microcephaly, normal intelligence and immunodeficiency (NBS). Also called: Immunodeficiency, microcephaly with normal intelligence; BERLIN BREAKAGE SYNDROME; IMMUNODEFICIENCY, MICROCEPHALY, AND CHROMOSOMAL INSTABILITY; SEEMANOVA SYNDROME II; Ataxia telangiectasia variant V1; Nijmegen breakage syndrome. Identifiers: Orphanet 647, MedGen C0398791, MONDO:0009623, OMIM 251260.

Allele frequency attached by ClinVar (database versions not stated): gnomAD exomes below 0.00001; ExAC 0.00001.
gnomAD v4.1: 1 of 1,608,092 alleles (0.000062%); highest among the groups gnomAD compares: Non-Finnish European, 0.000085%; no homozygotes.

Submissions (5):

Ambry Genetics
Classification: Uncertain significance for Hereditary cancer-predisposing syndrome. Last evaluated: 2023-08-30. Review status: criteria provided, single submitter. Criteria: Ambry Variant Classification Scheme 2023. Collection method: clinical testing. Allele origin: germline.
Comment: The c.585-3C>T intronic variant results from a C to T substitution 3 nucleotides upstream from coding exon 6 in the NBN gene. This nucleotide position is well conserved in available vertebrate species. In silico splice site analysis for this alteration is inconclusive. Since supporting evidence is limited at this time, the clinical significance of this alteration remains unclear.

Labcorp Genetics (formerly Invitae), Labcorp
Classification: Uncertain significance for Microcephaly, normal intelligence and immunodeficiency. Last evaluated: 2023-05-05. Review status: criteria provided, single submitter. Criteria: Invitae Variant Classification Sherloc (09022015). Collection method: clinical testing. Allele origin: germline.
Comment: In summary, the available evidence is currently insufficient to determine the role of this variant in disease. Therefore, it has been classified as a Variant of Uncertain Significance. Variants that disrupt the consensus splice site are a relatively common cause of aberrant splicing (PMID: 17576681, 9536098). Studies have shown that this variant results in skipping of exon 6 and introduces a premature termination codon (Invitae). The resulting mRNA is expected to undergo nonsense-mediated decay. This sequence change falls in intron 5 of the NBN gene. It does not directly change the encoded amino acid sequence of the NBN protein. RNA analysis indicates that this variant induces altered splicing and may result in an absent or disrupted protein product. This variant is present in population databases (rs779430868, gnomAD 0.0009%). This variant has not been reported in the literature in individuals affected with NBN-related conditions. ClinVar contains an entry for this variant (Variation ID: 219786).

Genome-Nilou Lab
Classification: Uncertain significance for Microcephaly, normal intelligence and immunodeficiency. Last evaluated: 2021-11-07. Review status: criteria provided, single submitter. Criteria: ACMG Guidelines, 2015. Collection method: clinical testing. Allele origin: germline. Affected: no.

Revvity Omics, Revvity
Classification: Uncertain significance. Last evaluated: 2019-07-05. Review status: criteria provided, single submitter. Criteria: ACMG Guidelines, 2015. Collection method: clinical testing. Allele origin: germline.

Natera, Inc.
Classification: Uncertain significance for Nijmegen breakage syndrome. Last evaluated: 2021-10-15. Review status: no assertion criteria provided. Collection method: clinical testing. Allele origin: germline. Not counted in ClinVar's aggregate classification.

Literature cited by the submitters: PubMed 17576681 (cited by Labcorp Genetics (formerly Invitae), Labcorp); PubMed 9536098 (cited by Labcorp Genetics (formerly Invitae), Labcorp).

NM_002485.5(NBN):c.585-3C>T

Gene: NBN (nibrin; minus strand). Cytogenetic location: 8q21.3.
Variant type: single nucleotide variant.
Coding change: c.585-3C>T on transcript NM_002485.5 (MANE Select); 3 bases into the intron before coding-DNA position 585, C replaced by T.
Molecular consequence: intron variant.
Genome position (GRCh38, 1-based): chr8:89,971,293, G>A on the plus strand (C>T on the coding strand, the complement: NBN is on the minus strand). VCF-style: chr8-89971293-G-A. GRCh37 (hg19) VCF-style: chr8-90983521-G-A.
Other names: c.339-3C>T (NM_001024688.3).
Identifiers: ClinVar variation 219786 (VCV000219786.23), dbSNP rs779430868, ClinGen allele CA350419.
Genomic context (GRCh38, chr8:89,971,293, plus strand): 5'-TCCTGACAGATCAACATTTTTACTTCCAATAGATGGTTCATCAAGAGGTGGGTAAAAACT[G>A]TAAAAATAATTAAAGTATATTCTAATTATATACTACTATGTTTGCTATTAAATTGTAAAC-3'